The following is an entry in ClinVar:

NM_000321.3(RB1):c.2211+5G>A

Gene: RB1 (RB transcriptional corepressor 1; plus strand). Cytogenetic location: 13q14.2.
Variant type: single nucleotide variant.
Coding change: c.2211+5G>A on transcript NM_000321.3 (MANE Select); 5 bases into the intron after coding-DNA position 2211, G replaced by A.
Molecular consequence: intron variant.
Genome position (GRCh38, 1-based): chr13:48,463,840, G>A. VCF-style: chr13-48463840-G-A. GRCh37 (hg19) VCF-style: chr13-49037976-G-A.
Identifiers: ClinVar variation 1457619 (VCV001457619.8), dbSNP rs1593538236, ClinGen allele CA2573149615.

ClinVar aggregate classification (germline): Pathogenic. Review status: criteria provided, multiple submitters, no conflicts (2 of 4 stars). 2 submissions from 2 submitters: Pathogenic (2). Last evaluated 2025-03-09.

Conditions:
Retinoblastoma (RB1). Also called: RETINOBLASTOMA, SOMATIC. Identifiers: Orphanet 790, MedGen C0035335, MeSH D012175, MONDO:0008380, OMIM 180200, HP:0009919. Disease mechanism: loss of function. Inheritance: Both sporadic and heritable forms are tested..

Submissions (3):

Labcorp Genetics (formerly Invitae), Labcorp
Classification: Pathogenic for Retinoblastoma. Last evaluated: 2025-03-09. Review status: criteria provided, single submitter. Criteria: Invitae Variant Classification Sherloc (09022015). Collection method: clinical testing. Allele origin: germline.
Comment: This sequence change falls in intron 21 of the RB1 gene. It does not directly change the encoded amino acid sequence of the RB1 protein. RNA analysis indicates that this variant induces altered splicing and likely results in a shortened protein product. This variant is not present in population databases (gnomAD no frequency). This variant has been observed in individual(s) with retinoblastoma (PMID: 1662795, 26530098). It has also been observed to segregate with disease in related individuals. ClinVar contains an entry for this variant (Variation ID: 1457619). Variants that disrupt the consensus splice site are a relatively common cause of aberrant splicing (PMID: 17576681, 9536098). Studies have shown that this variant results in skipping of exon 21, but is expected to preserve the integrity of the reading-frame (PMID: 1662795). For these reasons, this variant has been classified as Pathogenic.

Genetic Diagnostic Laboratory, University of Pennsylvania School of Medicine
Classification: Pathogenic for Retinoblastoma. Last evaluated: 2024-05-20. Review status: criteria provided, single submitter. Criteria: ACMG Guidelines, 2015. Collection method: clinical testing. Allele origin: germline. Affected: yes. Observed: 2 variant alleles.
Comment: Case and Pedigree Information: BILATERAL CASES:1, UNILATERAL CASES:1, TOTAL CASES:2, PEDIGREES:2. ACMG Codes Applied:PM2

Dr. Peter K. Rogan Lab, Western University
No classification provided (evidence only). Condition: Sarcoma. Review status: no classification provided. Collection method: in vitro. Allele origin: not applicable. Functional consequence: skipped exon. Not counted in ClinVar's aggregate classification.

Literature cited by the submitters: PubMed 1662795 (cited by Labcorp Genetics (formerly Invitae), Labcorp); PubMed 26530098 (cited by Labcorp Genetics (formerly Invitae), Labcorp); PubMed 17576681 (cited by Labcorp Genetics (formerly Invitae), Labcorp); PubMed 9536098 (cited by Labcorp Genetics (formerly Invitae), Labcorp).